The following is an entry in ClinVar:

NM_001999.4(FBN2):c.5673A>G (p.Val1891=)

Gene: FBN2 (fibrillin 2; minus strand). Cytogenetic location: 5q23.3.
Variant type: single nucleotide variant.
Coding change: c.5673A>G on transcript NM_001999.4 (MANE Select); coding-DNA position 5673, A replaced by G.
Protein change: p.Val1891=; no amino-acid change (valine 1891 retained).
Molecular consequence: synonymous variant.
Genome position (GRCh38, 1-based): chr5:128,305,512, T>C on the plus strand (A>G on the coding strand, the complement: FBN2 is on the minus strand). VCF-style: chr5-128305512-T-C. GRCh37 (hg19) VCF-style: chr5-127641204-T-C.
Identifiers: ClinVar variation 1255214 (VCV001255214.4), dbSNP rs746792907, ClinGen allele CA446306523.

ClinVar aggregate classification (germline): Conflicting classifications of pathogenicity. Review status: criteria provided, conflicting classifications (1 of 4 stars). 2 submissions from 2 submitters: Uncertain significance (1); Likely benign (1). Last evaluated 2025-12-08.

Conditions:
Congenital contractural arachnodactyly (CCA). Also called: Beals-Hecht syndrome; BEALS SYNDROME; Arthrogryposis, distal, type 9. Identifiers: Orphanet 115, MedGen C0220668, MONDO:0007363, OMIM 121050.

Submissions (2):

Labcorp Genetics (formerly Invitae), Labcorp
Classification: Uncertain significance for Congenital contractural arachnodactyly. Last evaluated: 2025-12-08. Review status: criteria provided, single submitter. Criteria: Invitae Variant Classification Sherloc (09022015). Collection method: clinical testing. Allele origin: germline.
Comment: This sequence change affects codon 1891 of the FBN2 mRNA. It is a 'silent' change, meaning that it does not change the encoded amino acid sequence of the FBN2 protein. It affects a nucleotide within the consensus splice site. This variant is not present in population databases (gnomAD no frequency). This variant has not been reported in the literature in individuals affected with FBN2-related conditions. ClinVar contains an entry for this variant (Variation ID: 1255214). Algorithms developed to predict the effect of sequence changes on RNA splicing suggest that this variant is not likely to affect RNA splicing. In summary, the available evidence is currently insufficient to determine the role of this variant in disease. Therefore, it has been classified as a Variant of Uncertain Significance.

GeneDx
Classification: Likely benign. Last evaluated: 2021-05-10. Review status: criteria provided, single submitter. Criteria: GeneDx Variant Classification Process June 2021. Collection method: clinical testing. Allele origin: germline. Affected: yes.